The following is an entry in ClinVar:

ClinVar aggregate classification (germline): Benign/Likely benign. Review status: criteria provided, multiple submitters, no conflicts (2 of 4 stars). 3 submissions from 3 submitters: Benign (1); Likely benign (2). Last evaluated 2026-01-26.

Conditions:
Charcot-Marie-Tooth disease axonal type 2O. Also called: Charcot-Marie-Tooth disease, axonal, type 20; CHARCOT-MARIE-TOOTH NEUROPATHY, AXONAL, TYPE 2O; CHARCOT-MARIE-TOOTH DISEASE, AXONAL, AUTOSOMAL DOMINANT, TYPE 2O; Charcot-Marie-Tooth Neuropathy Type 2O. Identifiers: Orphanet 284232, MedGen C3280220, MONDO:0013644, OMIM 614228.

Allele frequency attached by ClinVar (database versions not stated): gnomAD exomes 0.00008 and 0.00016; ExAC 0.00017; TOPMed 0.00053; gnomAD 0.00057 and 0.00060; 1000 Genomes Project 30x 0.00078; ESP Exome Variant Server 0.00092; 1000 Genomes Project 0.00100.
gnomAD v4.1: 204 of 1,614,214 alleles (0.013%); highest among the groups gnomAD compares: African/African-American, 0.24%; 2 homozygotes.

Submissions (3):

Labcorp Genetics (formerly Invitae), Labcorp
Classification: Benign for Charcot-Marie-Tooth disease axonal type 2O. Last evaluated: 2026-01-26. Review status: criteria provided, single submitter. Criteria: Invitae Variant Classification Sherloc (09022015). Collection method: clinical testing. Allele origin: germline.

Blueprint Genetics
Classification: Likely benign. Last evaluated: 2024-10-08. Review status: criteria provided, single submitter. Criteria: ACMG Guidelines, 2015. Collection method: clinical testing. Allele origin: germline.

GeneDx
Classification: Likely benign. Last evaluated: 2017-09-29. Review status: criteria provided, single submitter. Criteria: GeneDx Variant Classification (06012015). Collection method: clinical testing. Allele origin: germline. Affected: yes.
Comment: This variant is considered likely benign or benign based on one or more of the following criteria: it is a conservative change, it occurs at a poorly conserved position in the protein, it is predicted to be benign by multiple in silico algorithms, and/or has population frequency not consistent with disease.

NM_001376.5(DYNC1H1):c.12903-14C>T

Gene: DYNC1H1 (dynein cytoplasmic 1 heavy chain 1; plus strand). Cytogenetic location: 14q32.31.
Variant type: single nucleotide variant.
Coding change: c.12903-14C>T on transcript NM_001376.5 (MANE Select); 14 bases into the intron before coding-DNA position 12903, C replaced by T.
Molecular consequence: intron variant.
Genome position (GRCh38, 1-based): chr14:102,044,581, C>T. VCF-style: chr14-102044581-C-T. GRCh37 (hg19) VCF-style: chr14-102510918-C-T.
Identifiers: ClinVar variation 506846 (VCV000506846.10), dbSNP rs139935428, ClinGen allele CA7354079.